The following is an entry in ClinVar:

ClinVar aggregate classification (germline): Uncertain significance (1 of 4 stars; one submission).

Submission:

GeneDx
Classification: Uncertain significance. Last evaluated: 2017-12-29. Review status: criteria provided, single submitter. Criteria: GeneDx Variant Classification (06012015). Collection method: clinical testing. Allele origin: germline. Affected: yes.
Comment: The c.796_797delGCinsT variant in the SKI gene has not been reported previously as a pathogenic variant nor as a benign variant, to our knowledge. The c.796_797delGCinsT variant causes a frameshift starting with codon Alanine 266, changes this amino acid to a Serine residue, and creates a premature Stop codon at position 22 of the new reading frame, denoted p.Ala266SerfsX22. This variant is predicted to cause loss of normal protein function either through protein truncation or nonsense-mediated mRNA decay. The c.796_797delGCinsT variant is not observed in large population cohorts (Lek et al., 2016). We interpret c.796_797delGCinsT as a variant of uncertain significance.

NM_003036.4(SKI):c.796_797delinsT (p.Ala266fs)

Gene: SKI (SKI proto-oncogene; plus strand). Cytogenetic location: 1p36.33.
Variant type: Indel.
Coding change: c.796_797delinsT on transcript NM_003036.4 (MANE Select); coding-DNA positions 796 to 797, GC replaced by T.
Protein change: p.Ala266fs; shifts the reading frame from alanine 266.
Molecular consequence: frameshift variant.
Genome position (GRCh38, 1-based): chr1:2,229,562-2,229,563, GC replaced by T. VCF-style: chr1-2229562-GC-T. GRCh37 (hg19) VCF-style: chr1-2161001-GC-T.
Other names: short protein forms A266fs.
Identifiers: ClinVar variation 504022 (VCV000504022.2), dbSNP rs1553190048, ClinGen allele CA658795370.